The following is an entry in ClinVar:

ClinVar aggregate classification (germline): Uncertain significance (1 of 4 stars; one submission).

Conditions:
Ataxia-telangiectasia syndrome (AT). Also called: Ataxia telangiectasia (A-T); AT, COMPLEMENTATION GROUP C; Ataxia-telangiectasia, complementation group D; Cerebello-oculocutaneous telangiectasia; Immunodeficiency with ataxia telangiectasia; LOUIS-BAR SYNDROME. Identifiers: Orphanet 100, MedGen C0004135, MONDO:0008840, OMIM 208900.

Allele frequency attached by ClinVar (database versions not stated): TOPMed below 0.00001; gnomAD 0.00001.

Submission:

Labcorp Genetics (formerly Invitae), Labcorp
Classification: Uncertain significance for Ataxia-telangiectasia syndrome. Last evaluated: 2024-05-14. Review status: criteria provided, single submitter. Criteria: Invitae Variant Classification Sherloc (09022015). Collection method: clinical testing. Allele origin: germline.
Comment: This sequence change falls in intron 35 of the ATM gene. It does not directly change the encoded amino acid sequence of the ATM protein. It affects a nucleotide within the consensus splice site. This variant is not present in population databases (gnomAD no frequency). This variant has not been reported in the literature in individuals affected with ATM-related conditions. ClinVar contains an entry for this variant (Variation ID: 2165201). Variants that disrupt the consensus splice site are a relatively common cause of aberrant splicing (PMID: 17576681, 9536098). Algorithms developed to predict the effect of sequence changes on RNA splicing suggest that this variant is not likely to affect RNA splicing. In summary, the available evidence is currently insufficient to determine the role of this variant in disease. Therefore, it has been classified as a Variant of Uncertain Significance.

Literature cited by the submitters: PubMed 17576681; PubMed 9536098.

NM_000051.4(ATM):c.5319+3_5319+5del

Gene: ATM (ATM serine/threonine kinase; plus strand). Cytogenetic location: 11q22.3.
Variant type: Deletion.
Coding change: c.5319+3_5319+5del on transcript NM_000051.4 (MANE Select); bases 3 to 5 of the intron after coding-DNA position 5319, 3 bases deleted (CTC; older notation c.5319+3_5319+5delCTC).
Molecular consequence: intron variant.
Genome position (GRCh38, 1-based): chr11:108,301,792-108,301,794, CTC deleted. VCF-style (leftmost placement, unchanged base first): chr11-108301791-TCTC-T. GRCh37 (hg19) VCF-style: chr11-108172518-TCTC-T.
Other names: c.5319+3_5319+5del (NM_001351834.2).
Identifiers: ClinVar variation 2165201 (VCV002165201.3), dbSNP rs2083447373, ClinGen allele CA942024584.